The following is an entry in ClinVar:

ClinVar aggregate classification (germline): Uncertain significance. Review status: criteria provided, multiple submitters, no conflicts (2 of 4 stars). 2 submissions from 2 submitters: Uncertain significance (2). Last evaluated 2024-01-11.

Conditions:
Autosomal recessive nonsyndromic hearing loss 77. Identifiers: Orphanet 90636, MedGen C2746083, MONDO:0013119, OMIM 613079.

Allele frequency attached by ClinVar (database versions not stated): gnomAD exomes 0.00005; ExAC 0.00010; gnomAD 0.00022 and 0.00024; TOPMed 0.00024.
gnomAD v4.1: 64 of 1,551,396 alleles (0.0041%); highest among the groups gnomAD compares: African/African-American, 0.067%; no homozygotes.

Submissions (2):

Women's Health and Genetics/Laboratory Corporation of America, LabCorp
Classification: Uncertain significance. Last evaluated: 2024-01-11. Review status: criteria provided, single submitter. Criteria: LabCorp Variant Classification Summary - May 2015. Collection method: clinical testing. Allele origin: germline.
Comment: Variant summary: LOXHD1 c.3979T>A (p.Phe1327Ile) results in a non-conservative amino acid change located in the PLAT/LH2 domain (IPR001024) of the encoded protein sequence. Three of five in-silico tools predict a damaging effect of the variant on protein function. The variant allele was found at a frequency of 5.1e-05 in 157110 control chromosomes. The available data on variant occurrences in the general population are insufficient to allow any conclusion about variant significance. c.3979T>A has been reported in the literature in individuals affected with Nonsyndromic Hearing Loss And Deafness (e.g. Lebeko_2016). The report does not provide unequivocal conclusions about association of the variant with Nonsyndromic Hearing Loss And Deafness, Type 77. To our knowledge, no experimental evidence demonstrating an impact on protein function has been reported. The following publication have been ascertained in the context of this evaluation (PMID: 27246798). ClinVar contains an entry for this variant (Variation ID: 1677236). Based on the evidence outlined above, the variant was classified as uncertain significance.

Fulgent Genetics
Classification: Uncertain significance for Autosomal recessive nonsyndromic hearing loss 77. Last evaluated: 2021-09-10. Review status: criteria provided, single submitter. Criteria: ACMG Guidelines, 2015. Collection method: clinical testing. Allele origin: unknown.

Literature cited by the submitters: PubMed 27246798 (cited by Women's Health and Genetics/Laboratory Corporation of America, LabCorp).

NM_001384474.1(LOXHD1):c.3979T>A (p.Phe1327Ile)

Gene: LOXHD1 (lipoxygenase homology PLAT domains 1; minus strand). Cytogenetic location: 18q21.1.
Variant type: single nucleotide variant.
Coding change: c.3979T>A on transcript NM_001384474.1 (MANE Select); coding-DNA position 3979, T replaced by A.
Protein change: p.Phe1327Ile; replaces phenylalanine 1327 with isoleucine.
Molecular consequence: missense variant.
Genome position (GRCh38, 1-based): chr18:46,538,272, A>T on the plus strand (T>A on the coding strand, the complement: LOXHD1 is on the minus strand). VCF-style: chr18-46538272-A-T. GRCh37 (hg19) VCF-style: chr18-44118235-A-T.
Other names: c.646T>A, p.Phe216Ile (NM_001145472.3); c.358T>A, p.Phe120Ile (NM_001308013.2); c.3979T>A, p.Phe1327Ile (NM_144612.7); short protein forms F120I, F1327I, F216I.
Identifiers: ClinVar variation 1677236 (VCV001677236.3), dbSNP rs749667545, ClinGen allele CA8952402.